The following is an entry in ClinVar:

ClinVar aggregate classification (germline): Uncertain significance (1 of 4 stars; one submission).

Conditions:
Developmental and epileptic encephalopathy, 53. Also called: Epileptic encephalopathy, early infantile, 53. Identifiers: MedGen C4479313, MONDO:0033362, OMIM 617389.
Early-onset Parkinson disease 20. Also called: PARKINSON DISEASE 20, AUTOSOMAL RECESSIVE EARLY-ONSET. Identifiers: Orphanet 391411, MedGen C3809824, MONDO:0014233, OMIM 615530.

Allele frequency attached by ClinVar (database versions not stated): gnomAD exomes below 0.00001.
gnomAD v4.1: 2 of 1,614,148 alleles (0.00012%); highest among the groups gnomAD compares: Non-Finnish European, 0.00017%; no homozygotes.

Submission:

Labcorp Genetics (formerly Invitae), Labcorp
Classification: Uncertain significance for Developmental and epileptic encephalopathy, 53; Early-onset Parkinson disease 20. Last evaluated: 2021-12-02. Review status: criteria provided, single submitter. Criteria: Invitae Variant Classification Sherloc (09022015). Collection method: clinical testing. Allele origin: germline.
Comment: In summary, the available evidence is currently insufficient to determine the role of this variant in disease. Therefore, it has been classified as a Variant of Uncertain Significance. Algorithms developed to predict the effect of missense changes on protein structure and function are either unavailable or do not agree on the potential impact of this missense change (SIFT: "Tolerated"; PolyPhen-2: "Possibly Damaging"; Align-GVGD: "Class C0"). This variant has not been reported in the literature in individuals affected with SYNJ1-related conditions. This variant is not present in population databases (gnomAD no frequency). This sequence change replaces valine, which is neutral and non-polar, with isoleucine, which is neutral and non-polar, at codon 257 of the SYNJ1 protein (p.Val257Ile).

NM_203446.3(SYNJ1):c.652G>A (p.Val218Ile)

Gene: SYNJ1 (synaptojanin 1; minus strand). Cytogenetic location: 21q22.11.
Variant type: single nucleotide variant.
Coding change: c.652G>A on transcript NM_203446.3 (MANE Select); coding-DNA position 652, G replaced by A.
Protein change: p.Val218Ile; replaces valine 218 with isoleucine.
Molecular consequence: missense variant.
Genome position (GRCh38, 1-based): chr21:32,695,110, C>T on the plus strand (G>A on the coding strand, the complement: SYNJ1 is on the minus strand). VCF-style: chr21-32695110-C-T. GRCh37 (hg19) VCF-style: chr21-34067420-C-T.
Other names: c.652G>A, p.Val218Ile (NM_001160302.2, NM_001160306.2); c.769G>A, p.Val257Ile (NM_003895.4); short protein forms V218I, V257I.
Identifiers: ClinVar variation 1424849 (VCV001424849.8), dbSNP rs2146173743, ClinGen allele CA410098125.
Genomic context (GRCh38, chr21:32,695,110, plus strand): 5'-TATATACCTGTTCTGTTTCTACAAAATTGGCAACATGACCATCATCATTTGTTCCCCGGA[C>T]ATTAAACCTGGTCCCAGCTCGTTCACAGCTTAATCTTGAAATGAGGCAAGCCTTCGCCTG-3'
Protein context (NP_982271.3, residues 208-228): SCERAGTRFN[Val218Ile]RGTNDDGHVA